The following is an entry in ClinVar:

NM_003620.4(PPM1D):c.134T>C (p.Leu45Pro)

Gene: PPM1D (protein phosphatase, Mg2+/Mn2+ dependent 1D; plus strand). Cytogenetic location: 17q23.2.
Variant type: single nucleotide variant.
Coding change: c.134T>C on transcript NM_003620.4 (MANE Select); coding-DNA position 134, T replaced by C.
Protein change: p.Leu45Pro; replaces leucine 45 with proline.
Molecular consequence: missense variant.
Genome position (GRCh38, 1-based): chr17:60,600,548, T>C. VCF-style: chr17-60600548-T-C. GRCh37 (hg19) VCF-style: chr17-58677909-T-C.
Other names: short protein forms L45P.
Identifiers: ClinVar variation 1029733 (VCV001029733.1), dbSNP rs1433961136, ClinGen allele CA400452823.
Genomic context (GRCh38, chr17:60,600,548, plus strand): 5'-CTCAAATCGTTGTGGAGCCCGAACCGACGGCTGAAGAAAAGCCCTCGCCGCGGCGGTCGC[T>C]GTCTCAGCCGTTGCCTCCGCGGCCGTCGCCGGCCGCCCTTCCCGGCGGCGAAGTCTCGGG-3'
Protein context (NP_003611.1, residues 35-55): AEEKPSPRRS[Leu45Pro]SQPLPPRPSP

ClinVar aggregate classification (germline): Uncertain significance (1 of 4 stars; one submission).

Conditions:
Intellectual developmental disorder with gastrointestinal difficulties and high pain threshold (JDVS). Also called: JANSEN-DE VRIES SYNDROME. Identifiers: Orphanet 653767, MedGen C4479517, MONDO:0044318, OMIM 617450.

Allele frequency attached by ClinVar (database versions not stated): gnomAD exomes 0.00001.

Submission:

Baylor Genetics
Classification: Uncertain significance for Intellectual developmental disorder with gastrointestinal difficulties and high pain threshold. Last evaluated: 2019-04-26. Review status: criteria provided, single submitter. Criteria: ACMG Guidelines, 2015. Collection method: clinical testing. Allele origin: maternal. Affected: yes.
Comment: This variant was determined to be of uncertain significance according to ACMG Guidelines, 2015 [PMID:25741868].